The following is an entry in ClinVar:

NM_173493.3(PASD1):c.1731C>T (p.Ile577=)

Gene: PASD1 (PAS domain containing repressor 1; plus strand). Cytogenetic location: Xq28.
Variant type: single nucleotide variant.
Coding change: c.1731C>T on transcript NM_173493.3 (MANE Select); coding-DNA position 1731, C replaced by T.
Protein change: p.Ile577=; no amino-acid change (isoleucine 577 retained).
Molecular consequence: synonymous variant.
Genome position (GRCh38, 1-based): chrX:151,672,476, C>T. VCF-style: chrX-151672476-C-T. GRCh37 (hg19) VCF-style: chrX-150840948-C-T.
Identifiers: ClinVar variation 2661645 (VCV002661645.24), dbSNP rs1380411539, ClinGen allele CA519161604.
Genomic context (GRCh38, chrX:151,672,476, plus strand): 5'-GCCAGAGGAGGAGCAGCAGAAGCAGCAGCTGCAAGAGCAGCCACTGAAGCATAATGTCAT[C>T]GTGGGGAATGAGAGGGTGCAGATATGCCTGCAAAACCCACGTGACGTATCTGTGCCCCTC-3'
Protein context (NP_775764.2, residues 567-587): LQEQPLKHNV[Ile577=]VGNERVQICL

ClinVar aggregate classification (germline): Likely benign (1 of 4 stars; one submission).

Allele frequency attached by ClinVar (database versions not stated): gnomAD 0.00001; gnomAD exomes 0.00001; TOPMed 0.00001.
gnomAD v4.1: 13 of 1,210,136 alleles (0.0011%); highest among the groups gnomAD compares: East Asian, 0.0089%; no homozygotes.

Submission:

CeGaT Center for Human Genetics Tuebingen
Classification: Likely benign. Last evaluated: 2022-04-01. Review status: criteria provided, single submitter. Criteria: CeGaT Center For Human Genetics Tuebingen Variant Classification Criteria Version 2. Collection method: clinical testing. Allele origin: germline. Affected: yes. Observed: 1 variant allele.
Comment: PASD1: BP4, BP7